The following is an entry in ClinVar:

NM_012470.4(TNPO3):c.497G>A (p.Arg166His)

Gene: TNPO3 (transportin 3; minus strand). Cytogenetic location: 7q32.1.
Variant type: single nucleotide variant.
Coding change: c.497G>A on transcript NM_012470.4 (MANE Select); coding-DNA position 497, G replaced by A.
Protein change: p.Arg166His; replaces arginine 166 with histidine.
Molecular consequence: missense variant. On other transcripts: non-coding transcript variant (18).
Genome position (GRCh38, 1-based): chr7:129,015,034, C>T on the plus strand (G>A on the coding strand, the complement: TNPO3 is on the minus strand). VCF-style: chr7-129015034-C-T. GRCh37 (hg19) VCF-style: chr7-128655088-C-T.
Other names: c.497G>A, p.Arg166His (NM_001191028.3, NM_001382216.1, NM_001382218.1 and 5 more transcripts); c.578G>A, p.Arg193His (NM_001382217.1); short protein forms R166H, R193H.
Identifiers: ClinVar variation 1311270 (VCV001311270.5), dbSNP rs1385305064, ClinGen allele CA369246374.
Genomic context (GRCh38, chr7:129,015,034, plus strand): 5'-CTCACCAATAGAGATACTACTGTACTAGAGTAGAAGGCCAAATCTTCTATAATTTCTGTG[C>T]GCCGATTAGCTCCAATTCGTAAGGAACGACTATGTACTTCTTCAGGTAACACTGTAAGGA-3'
Protein context (NP_036602.1, residues 156-176): SRSLRIGANR[Arg166His]TEIIEDLAFY

ClinVar aggregate classification (germline): Uncertain significance. Review status: criteria provided, multiple submitters, no conflicts (2 of 4 stars). 2 submissions from 2 submitters: Uncertain significance (2). Last evaluated 2023-02-18.

Conditions:
Autosomal dominant limb-girdle muscular dystrophy type 1F (LGMDD2). Also called: MUSCULAR DYSTROPHY, LIMB-GIRDLE, AUTOSOMAL DOMINANT 2; Limb-girdle muscular dystrophy, type 1F. Identifiers: Orphanet 55595, MedGen C1842062, MONDO:0012034, OMIM 608423.

Allele frequency attached by ClinVar (database versions not stated): gnomAD exomes below 0.00001.
gnomAD v4.1: 3 of 1,612,752 alleles (0.00019%); highest among the groups gnomAD compares: Non-Finnish European, 0.00017%; no homozygotes.

Submissions (2):

Labcorp Genetics (formerly Invitae), Labcorp
Classification: Uncertain significance for Autosomal dominant limb-girdle muscular dystrophy type 1F. Last evaluated: 2023-02-18. Review status: criteria provided, single submitter. Criteria: Invitae Variant Classification Sherloc (09022015). Collection method: clinical testing. Allele origin: germline.
Comment: In summary, the available evidence is currently insufficient to determine the role of this variant in disease. Therefore, it has been classified as a Variant of Uncertain Significance. Advanced modeling of protein sequence and biophysical properties (such as structural, functional, and spatial information, amino acid conservation, physicochemical variation, residue mobility, and thermodynamic stability) has been performed at Invitae for this missense variant, however the output from this modeling did not meet the statistical confidence thresholds required to predict the impact of this variant on TNPO3 protein function. ClinVar contains an entry for this variant (Variation ID: 1311270). This variant has not been reported in the literature in individuals affected with TNPO3-related conditions. This variant is present in population databases (no rsID available, gnomAD 0.01%). This sequence change replaces arginine, which is basic and polar, with histidine, which is basic and polar, at codon 166 of the TNPO3 protein (p.Arg166His).

GeneDx
Classification: Uncertain significance. Last evaluated: 2019-12-26. Review status: criteria provided, single submitter. Criteria: GeneDx Variant Classification Process June 2021. Collection method: clinical testing. Allele origin: germline. Affected: yes.
Comment: Not observed at a significant frequency in large population cohorts (Lek et al., 2016); In silico analysis, which includes protein predictors and evolutionary conservation, supports a deleterious effect; Has not been previously published as pathogenic or benign to our knowledge